The following is an entry in ClinVar:

NM_004006.3(DMD):c.1603-4C>G

Gene: DMD (dystrophin; minus strand). Cytogenetic location: Xp21.1.
Variant type: single nucleotide variant.
Coding change: c.1603-4C>G on transcript NM_004006.3 (MANE Select); 4 bases into the intron before coding-DNA position 1603, C replaced by G.
Molecular consequence: intron variant.
Genome position (GRCh38, 1-based): chrX:32,573,850, G>C on the plus strand (C>G on the coding strand, the complement: DMD is on the minus strand). VCF-style: chrX-32573850-G-C. GRCh37 (hg19) VCF-style: chrX-32591967-G-C.
Other names: c.1579-4C>G (NM_000109.4); c.1591-4C>G (NM_004009.3); c.1234-4C>G (NM_004010.3).
Identifiers: ClinVar variation 264085 (VCV000264085.17), dbSNP rs377223643, ClinGen allele CA10379781.

ClinVar aggregate classification (germline): Likely benign. Review status: criteria provided, multiple submitters, no conflicts (2 of 4 stars). 3 submissions from 3 submitters: Likely benign (3). Last evaluated 2026-06-22.

Conditions:
Cardiovascular phenotype. Identifiers: MedGen CN230736.
Duchenne muscular dystrophy (DMD). Also called: MUSCULAR DYSTROPHY, PSEUDOHYPERTROPHIC PROGRESSIVE, DUCHENNE TYPE; Duchenne Muscular Dystrophy (DMD). Identifiers: Orphanet 98896, MedGen C0013264, MONDO:0010679, OMIM 310200.

gnomAD v4.1: 10 of 1,192,018 alleles (0.00084%); highest among the groups gnomAD compares: Admixed American, 0.0022%; no homozygotes.

Submissions (3):

Ambry Genetics
Classification: Likely benign for Cardiovascular phenotype. Last evaluated: 2026-06-22. Review status: criteria provided, single submitter. Criteria: Ambry Variant Classification Scheme 2023. Collection method: clinical testing. Allele origin: germline.

Molecular Diagnostic Laboratory for Inherited Cardiovascular Disease, Montreal Heart Institute
Classification: Likely benign. Last evaluated: 2026-03-27. Review status: criteria provided, single submitter. Criteria: ACMG Guidelines, 2015. Collection method: clinical testing. Allele origin: germline. Affected: no.
Comment: PM2;BP1

Labcorp Genetics (formerly Invitae), Labcorp
Classification: Likely benign for Duchenne muscular dystrophy. Last evaluated: 2025-01-23. Review status: criteria provided, single submitter. Criteria: Invitae Variant Classification Sherloc (09022015). Collection method: clinical testing. Allele origin: germline.